The following is an entry in ClinVar:

ClinVar aggregate classification (germline): Likely pathogenic (1 of 4 stars; one submission).

Conditions:
Generalized epilepsy with febrile seizures plus, type 9 (GEFSP9). Also called: GEFS+, TYPE 9. Identifiers: Orphanet 36387, MedGen C4015395, MONDO:0014517, OMIM 616172.

Submission:

Department of Pediatrics, GMC Srinagar, Government Medical College Srinagar
Classification: Likely pathogenic for Generalized epilepsy with febrile seizures plus, type 9. Last evaluated: 2026-10-25. Review status: criteria provided, single submitter. Criteria: ACMG Guidelines, 2015. Collection method: clinical testing. Allele origin: de novo. Affected: yes. Observed: 1 variant allele, 1 heterozygote.
Comment: This variant is classified as likely pathogenic as it is a frameshift indel variant [LOF is mechanism of disease, affects functionally important (t-SNARE/C-terminus transmembrane anchor) domain/motif] and is absent in population databases (e.g., gnomAD v.4.1.2, etc.).

NM_052874.5(STX1B):c.715del (p.Ser239fs)

Gene: STX1B (syntaxin 1B; minus strand). Cytogenetic location: 16p11.2.
Variant type: Deletion.
Coding change: c.715del on transcript NM_052874.5 (MANE Select); coding-DNA position 715, one base deleted (T; older notation c.715delT).
Protein change: p.Ser239fs; shifts the reading frame from serine 239.
Molecular consequence: frameshift variant.
Genome position (GRCh38, 1-based): chr16:30,993,201, A deleted on the plus strand (T on the coding strand, the reverse complement: STX1B is on the minus strand); the first of 2 consecutive A bases (chr16:30,993,201-30,993,202); deleting either gives the same sequence. VCF-style (leftmost placement, unchanged base first): chr16-30993200-GA-G. GRCh37 (hg19) VCF-style: chr16-31004521-GA-G.
Other names: short protein forms S239fs.
Identifiers: ClinVar variation 5036680 (VCV005036680.1).